The following is an entry in ClinVar:

NM_000264.5(PTCH1):c.1408G>A (p.Gly470Arg)

Gene: PTCH1 (patched 1; minus strand). Cytogenetic location: 9q22.32.
Variant type: single nucleotide variant.
Coding change: c.1408G>A on transcript NM_000264.5 (MANE Select); coding-DNA position 1408, G replaced by A.
Protein change: p.Gly470Arg; replaces glycine 470 with arginine.
Molecular consequence: missense variant. On other transcripts: non-coding transcript variant (1), intron variant (1).
Genome position (GRCh38, 1-based): chr9:95,477,642, C>T on the plus strand (G>A on the coding strand, the complement: PTCH1 is on the minus strand). VCF-style: chr9-95477642-C-T. GRCh37 (hg19) VCF-style: chr9-98239924-C-T.
Other names: c.1210G>A, p.Gly404Arg (NM_001083602.3); c.1405G>A, p.Gly469Arg (NM_001083603.3); c.955G>A, p.Gly319Arg (NM_001083604.3, NM_001083605.3, NM_001083606.3 and 1 more transcripts); c.1347+413G>A (NM_001354918.2); c.1210G>A (NM_001083602.1); short protein forms G404R, G470R, G319R, G469R.
Identifiers: ClinVar variation 573946 (VCV000573946.10), dbSNP rs1564050210, ClinGen allele CA374118558.

ClinVar aggregate classification (germline): Uncertain significance. Review status: criteria provided, multiple submitters, no conflicts (2 of 4 stars). 2 submissions from 2 submitters: Uncertain significance (2). Last evaluated 2026-07-06.

Conditions:
Gorlin syndrome. Also called: Nevoid Basal Cell Carcinoma Syndrome; Basal cell nevus syndrome. Identifiers: Orphanet 377, MedGen C0004779, MONDO:0007187.
Hereditary cancer-predisposing syndrome. Also called: Neoplastic Syndromes, Hereditary; Hereditary Cancer Syndrome; Hereditary neoplastic syndrome; Tumor predisposition. Identifiers: Orphanet 140162, MedGen C0027672, MeSH D009386, MONDO:0015356.

Submissions (2):

Ambry Genetics
Classification: Uncertain significance for Hereditary cancer-predisposing syndrome. Last evaluated: 2026-07-06. Review status: criteria provided, single submitter. Criteria: Ambry Variant Classification Scheme 2023. Collection method: clinical testing. Allele origin: germline.
Comment: The p.G404R variant (also known as c.1210G>A), located in coding exon 10 of the PTCH1 gene, results from a G to A substitution at nucleotide position 1210. The glycine at codon 404 is replaced by arginine, an amino acid with dissimilar properties. This amino acid position is conserved. In addition, this alteration is predicted to be deleterious by in silico analysis. Based on the available evidence, the clinical significance of this variant remains unclear.

Labcorp Genetics (formerly Invitae), Labcorp
Classification: Uncertain significance for Gorlin syndrome. Last evaluated: 2021-06-04. Review status: criteria provided, single submitter. Criteria: Invitae Variant Classification Sherloc (09022015). Collection method: clinical testing. Allele origin: germline.
Comment: This variant is not present in population databases (ExAC no frequency). This variant has not been reported in the literature in individuals with PTCH1-related disease. Algorithms developed to predict the effect of missense changes on protein structure and function do not agree on the potential impact of this missense change (SIFT: "Deleterious"; PolyPhen-2: "Probably Damaging"; Align-GVGD: "Class C0"). In summary, the available evidence is currently insufficient to determine the role of this variant in disease. Therefore, it has been classified as a Variant of Uncertain Significance. This sequence change replaces glycine with arginine at codon 470 of the PTCH1 protein (p.Gly470Arg). The glycine residue is moderately conserved and there is a moderate physicochemical difference between glycine and arginine.